The following is an entry in ClinVar:

ClinVar aggregate classification (germline): Uncertain significance. Review status: criteria provided, multiple submitters, no conflicts (2 of 4 stars). 2 submissions from 2 submitters: Uncertain significance (2). Last evaluated 2025-05-01.

Allele frequency attached by ClinVar (database versions not stated): gnomAD exomes 0.00001; ExAC 0.00001.
gnomAD v4.1: 16 of 1,614,164 alleles (0.00099%); highest among the groups gnomAD compares: South Asian, 0.0022%; no homozygotes.

Submissions (2):

Ambry Genetics
Classification: Uncertain significance. Last evaluated: 2025-05-01. Review status: criteria provided, single submitter. Criteria: Ambry Variant Classification Scheme 2023. Collection method: clinical testing. Allele origin: germline.

Labcorp Genetics (formerly Invitae), Labcorp
Classification: Uncertain significance. Last evaluated: 2021-08-25. Review status: criteria provided, single submitter. Criteria: Invitae Variant Classification Sherloc (09022015). Collection method: clinical testing. Allele origin: germline.
Comment: In summary, the available evidence is currently insufficient to determine the role of this variant in disease. Therefore, it has been classified as a Variant of Uncertain Significance. Algorithms developed to predict the effect of missense changes on protein structure and function are either unavailable or do not agree on the potential impact of this missense change (SIFT: "Not Available"; PolyPhen-2: "Probably Damaging"; Align-GVGD: "Not Available"). This variant has not been reported in the literature in individuals affected with CEP250-related conditions. This variant is present in population databases (rs780598745, ExAC 0.001%). This sequence change replaces alanine with serine at codon 2278 of the CEP250 protein (p.Ala2278Ser). The alanine residue is highly conserved and there is a moderate physicochemical difference between alanine and serine.

NM_007186.6(CEP250):c.6832G>T (p.Ala2278Ser)

Gene: CEP250 (centrosomal protein 250; plus strand). Cytogenetic location: 20q11.22.
Variant type: single nucleotide variant.
Coding change: c.6832G>T on transcript NM_007186.6 (MANE Select); coding-DNA position 6832, G replaced by T.
Protein change: p.Ala2278Ser; replaces alanine 2278 with serine.
Molecular consequence: missense variant.
Genome position (GRCh38, 1-based): chr20:35,508,116, G>T. VCF-style: chr20-35508116-G-T. GRCh37 (hg19) VCF-style: chr20-34095945-G-T.
Other names: c.4936G>T, p.Ala1646Ser (NM_001318219.1); c.6832G>T (NM_007186.3); short protein forms A1646S, A2278S.
Identifiers: ClinVar variation 1477213 (VCV001477213.6), dbSNP rs780598745, ClinGen allele CA9834163.